The following is an entry in ClinVar:

NM_001256012.3(MYH10):c.5204G>A (p.Arg1735Gln)

Gene: MYH10 (myosin heavy chain 10; minus strand). Cytogenetic location: 17p13.1.
Variant type: single nucleotide variant.
Coding change: c.5204G>A on transcript NM_001256012.3 (MANE Select); coding-DNA position 5204, G replaced by A.
Protein change: p.Arg1735Gln; replaces arginine 1735 with glutamine.
Molecular consequence: missense variant.
Genome position (GRCh38, 1-based): chr17:8,481,382, C>T on the plus strand (G>A on the coding strand, the complement: MYH10 is on the minus strand). VCF-style: chr17-8481382-C-T. GRCh37 (hg19) VCF-style: chr17-8384700-C-T.
Other names: NM_005964.5:c.5111G>A; c.5138G>A, p.Arg1713Gln (NM_001256095.2); c.5141G>A, p.Arg1714Gln (NM_001375266.1); c.5111G>A, p.Arg1704Gln (NM_005964.5); short protein forms R1704Q, R1713Q, R1714Q, R1735Q.
Identifiers: ClinVar variation 3024409 (VCV003024409.1), dbSNP rs150261129, ClinGen allele CA8376936.

ClinVar aggregate classification (germline): Uncertain significance (1 of 4 stars; one submission).

Conditions:
Jaw-winking syndrome. Also called: Marcus Gunn jaw winking synkinesis; JAW-WINKING; MAXILLOPALPEBRAL SYNKINESIS. Identifiers: Orphanet 91412, MedGen C0266521, MONDO:0007946, OMIM 154600, HP:0025186.

Allele frequency attached by ClinVar (database versions not stated): ExAC 0.00004; gnomAD exomes 0.00007; ESP Exome Variant Server 0.00008.
gnomAD v4.1: 114 of 1,613,970 alleles (0.0071%); highest among the groups gnomAD compares: Non-Finnish European, 0.0092%; no homozygotes.

Submission:

Broad Center for Mendelian Genomics, Broad Institute of MIT and Harvard
Classification: Uncertain significance for Jaw-winking syndrome. Last evaluated: 2024-02-26. Review status: criteria provided, single submitter. Criteria: ACMG Guidelines, 2015. Collection method: curation. Allele origin: germline. Inheritance: Autosomal dominant inheritance.
Comment: While this gene is still lacking sufficient evidence to establish a gene-disease association, we believe this is a possible novel gene candidate for Marcus Gunn jaw-winking syndrome. Given the limited information about this gene-disease relationship, the significance of the p.Arg1735Gln variant is uncertain. If you have any additional information about functional evidence or other individuals with this phenotype that also have variants in MYH10 we encourage you to reach out to the Engle Lab.